The following is an entry in ClinVar:

ClinVar aggregate classification (germline): Benign/Likely benign. Review status: criteria provided, multiple submitters, no conflicts (2 of 4 stars). 4 submissions from 4 submitters: Benign (1); Likely benign (3). Last evaluated 2026-04-22.

Conditions:
Colorectal cancer, susceptibility to, 1. Also called: COLORECTAL ADENOMA AND CANCER, SUSCEPTIBILITY TO; COLORECTAL CANCER, SUSCEPTIBILITY TO, ON CHROMOSOME 9. Identifiers: MedGen C1837315, MONDO:0012132, OMIM 608812.

Allele frequency attached by ClinVar (database versions not stated): gnomAD 0.00001; TOPMed 0.00003.
gnomAD v4.1: 5 of 1,166,498 alleles (0.00043%); highest among the groups gnomAD compares: East Asian, 0.027%; no homozygotes.

Submissions (4):

Myriad Genetics, Inc.
Classification: Benign for Colorectal cancer, susceptibility to, 1. Last evaluated: 2026-04-22. Review status: criteria provided, single submitter. Criteria: Myriad Autosomal Dominant, Autosomal Recessive and X-Linked Classification Criteria (2023). Collection method: clinical testing. Allele origin: unknown.
Comment: This variant is considered benign. This variant is a silent/synonymous amino acid change and it is not expected to impact splicing.

Labcorp Genetics (formerly Invitae), Labcorp
Classification: Likely benign. Last evaluated: 2025-05-05. Review status: criteria provided, single submitter. Criteria: Invitae Variant Classification Sherloc (09022015). Collection method: clinical testing. Allele origin: germline.

Quest Diagnostics Nichols Institute San Juan Capistrano
Classification: Likely benign. Last evaluated: 2023-08-16. Review status: criteria provided, single submitter. Criteria: Quest Diagnostics criteria. Collection method: clinical testing. Allele origin: unknown.

Ambry Genetics
Classification: Likely benign. Last evaluated: 2021-02-12. Review status: criteria provided, single submitter. Criteria: Ambry Variant Classification Scheme 2023. Collection method: clinical testing. Allele origin: germline.

NM_024642.5(GALNT12):c.72C>G (p.Leu24=)

Genes: GALNT12 (polypeptide N-acetylgalactosaminyltransferase 12; plus strand), LOC130002222 (ATAC-STARR-seq lymphoblastoid silent region 20123; plus strand). Cytogenetic location: 9q22.33.
Variant type: single nucleotide variant.
Coding change: c.72C>G on transcript NM_024642.5 (MANE Select); coding-DNA position 72, C replaced by G.
Protein change: p.Leu24=; no amino-acid change (leucine 24 retained).
Molecular consequence: synonymous variant.
Genome position (GRCh38, 1-based): chr9:98,807,770, C>G. VCF-style: chr9-98807770-C-G. GRCh37 (hg19) VCF-style: chr9-101570052-C-G.
Identifiers: ClinVar variation 707330 (VCV000707330.15), dbSNP rs1292527069, ClinGen allele CA466423702.